The following is an entry in ClinVar:

ClinVar aggregate classification (germline): Uncertain significance (1 of 4 stars; one submission).

Submission:

Labcorp Genetics (formerly Invitae), Labcorp
Classification: Uncertain significance. Last evaluated: 2024-10-27. Review status: criteria provided, single submitter. Criteria: Invitae Variant Classification Sherloc (09022015). Collection method: clinical testing. Allele origin: germline.
Comment: This sequence change replaces asparagine, which is neutral and polar, with aspartic acid, which is acidic and polar, at codon 579 of the HUWE1 protein (p.Asn579Asp). This variant is not present in population databases (gnomAD no frequency). This variant has not been reported in the literature in individuals affected with HUWE1-related conditions. Invitae Evidence Modeling of protein sequence and biophysical properties (such as structural, functional, and spatial information, amino acid conservation, physicochemical variation, residue mobility, and thermodynamic stability) has been performed for this missense variant. However, the output from this modeling did not meet the statistical confidence thresholds required to predict the impact of this variant on HUWE1 protein function. In summary, the available evidence is currently insufficient to determine the role of this variant in disease. Therefore, it has been classified as a Variant of Uncertain Significance.

NM_031407.7(HUWE1):c.1735A>G (p.Asn579Asp)

Gene: HUWE1 (HECT, UBA and WWE domain containing E3 ubiquitin protein ligase 1; minus strand). Cytogenetic location: Xp11.22.
Variant type: single nucleotide variant.
Coding change: c.1735A>G on transcript NM_031407.7 (MANE Select); coding-DNA position 1735, A replaced by G.
Protein change: p.Asn579Asp; replaces asparagine 579 with aspartic acid.
Molecular consequence: missense variant.
Genome position (GRCh38, 1-based): chrX:53,617,384, T>C on the plus strand (A>G on the coding strand, the complement: HUWE1 is on the minus strand). VCF-style: chrX-53617384-T-C. GRCh37 (hg19) VCF-style: chrX-53644345-T-C.
Other names: short protein forms N579D.
Identifiers: ClinVar variation 3634934 (VCV003634934.2).